The following is an entry in ClinVar:

NM_001849.4(COL6A2):c.2489G>A (p.Arg830Gln)

Gene: COL6A2 (collagen type VI alpha 2 chain; plus strand). Cytogenetic location: 21q22.3.
Variant type: single nucleotide variant.
Coding change: c.2489G>A on transcript NM_001849.4 (MANE Select); coding-DNA position 2489, G replaced by A.
Protein change: p.Arg830Gln; replaces arginine 830 with glutamine.
Molecular consequence: missense variant.
Genome position (GRCh38, 1-based): chr21:46,131,981, G>A. VCF-style: chr21-46131981-G-A. GRCh37 (hg19) VCF-style: chr21-47551895-G-A.
Other names: R830Q.
Identifiers: ClinVar variation 210747 (VCV000210747.22), dbSNP rs139552940, ClinGen allele CA206462.

ClinVar aggregate classification (germline): Conflicting classifications of pathogenicity. Review status: criteria provided, conflicting classifications (1 of 4 stars). 7 submissions from 7 submitters: Likely pathogenic (4); Uncertain significance (1). 2 of the submissions do not count toward it. Last evaluated 2025-08-29.

Conditions:
Ullrich congenital muscular dystrophy 1A. Also called: Intermediate COL6-RD; Ullrich congenital muscular dystrophy 1. Identifiers: Orphanet 75840, MedGen C0410179, MONDO:0009681, OMIM 254090.
Bethlem myopathy 1A. Also called: Bethlem Muscular Dystrophy; Bethlem myopathy 1; MYOPATHY, BENIGN CONGENITAL, WITH CONTRACTURES. Identifiers: Orphanet 610, MedGen CN029274, MONDO:0024530, OMIM 158810.
Bethlem myopathy 1B (BTHLM1B). Identifiers: MedGen C5935580, MONDO:0958233, OMIM 620725.
Ullrich congenital muscular dystrophy 1B (UCMD1B). Identifiers: MedGen C5935582, MONDO:0958235, OMIM 620727.
Myopathy. Identifiers: MedGen C0026848, MeSH D009135, MONDO:0005336, HP:0003198.

Allele frequency attached by ClinVar (database versions not stated): gnomAD 0.00006 and 0.00004; gnomAD exomes 0.00006 and 0.00008; ExAC 0.00006; ESP Exome Variant Server 0.00008; 1000 Genomes Project 30x 0.00016; TOPMed 0.00003.
gnomAD v4.1: 123 of 1,609,242 alleles (0.0076%); highest among the groups gnomAD compares: East Asian, 0.011%; no homozygotes.

Submissions (7):

Labcorp Genetics (formerly Invitae), Labcorp
Classification: Likely pathogenic for Bethlem myopathy 1A. Last evaluated: 2025-08-29. Review status: criteria provided, single submitter. Criteria: Invitae Variant Classification Sherloc (09022015). Collection method: clinical testing. Allele origin: germline.
Comment: This sequence change replaces arginine, which is basic and polar, with glutamine, which is neutral and polar, at codon 830 of the COL6A2 protein (p.Arg830Gln). This variant is present in population databases (rs139552940, gnomAD 0.01%). This missense change has been observed in individual(s) with autosomal recessive Bethlem myopathy (PMID: 29419890). In at least one individual the data is consistent with being in trans (on the opposite chromosome) from a pathogenic variant. ClinVar contains an entry for this variant (Variation ID: 210747). Invitae Evidence Modeling of protein sequence and biophysical properties (such as structural, functional, and spatial information, amino acid conservation, physicochemical variation, residue mobility, and thermodynamic stability) indicates that this missense variant is expected to disrupt COL6A2 protein function with a positive predictive value of 80%. This variant disrupts the p.Arg830 amino acid residue in COL6A2. Other variant(s) that disrupt this residue have been determined to be pathogenic (PMID: 19884007, 31127727). This suggests that this residue is clinically significant, and that variants that disrupt this residue are likely to be disease-causing. In summary, the currently available evidence indicates that the variant is pathogenic, but additional data are needed to prove that conclusively. Therefore, this variant has been classified as Likely Pathogenic.

3billion
Classification: Likely pathogenic for Bethlem myopathy 1A; Ullrich congenital muscular dystrophy 1A. Last evaluated: 2024-03-12. Review status: criteria provided, single submitter. Criteria: ACMG Guidelines, 2015. Collection method: clinical testing. Allele origin: germline. Affected: yes.
Comment: The variant is observed at an extremely low frequency in the gnomAD v2.1.1 dataset (total allele frequency: 0.006%). Predicted Consequence/Location: Missense variant In silico tool predictions suggest damaging effect of the variant on gene or gene product [REVEL: 0.61 (>=0.6, sensitivity 0.68 and specificity 0.92)]. Same nucleotide change resulting in same amino acid change has been previously reported to be associated with COL6A2 related disorder (ClinVar ID: VCV000210747 /PMID: 19949035).A different missense change at the same codon (p.Arg830Trp) has been reported as pathogenic/likely pathogenic with strong evidence (ClinVar ID: VCV000287934 /PMID: 19884007 /3billion dataset). Therefore, this variant is classified as Likely pathogenic according to the recommendation of ACMG/AMP guideline.

Kariminejad - Najmabadi Pathology & Genetics Center
Classification: Likely pathogenic for Bethlem myopathy 1B. Last evaluated: 2024-01-20. Review status: criteria provided, single submitter. Criteria: ACMG Guidelines, 2015. Collection method: clinical testing. Allele origin: germline. Inheritance: Autosomal recessive inheritance. Affected: yes. Observed: 2 variant alleles.
Comment: PS4, PM2, PM5

Revvity Omics, Revvity
Classification: Uncertain significance. Last evaluated: 2020-05-06. Review status: criteria provided, single submitter. Criteria: ACMG Guidelines, 2015. Collection method: clinical testing. Allele origin: germline.

Genetic Services Laboratory, University of Chicago
Classification: Likely pathogenic for Myopathy. Last evaluated: 2015-01-07. Review status: criteria provided, single submitter. Criteria: ACMG Guidelines, 2015. Collection method: clinical testing. Allele origin: germline. Affected: yes.

Hong-Tao Li Lab, Institute of Brain Science and Brain-inspired Research, Shandong First Medical University & Shandong Academy of Medical Sciences China
Classification: Uncertain significance for Ullrich congenital muscular dystrophy 1B. Review status: no assertion criteria provided. Collection method: research. Allele origin: germline. Affected: yes. Observed: 1 variant allele, 1 homozygote. Not counted in ClinVar's aggregate classification.
Comment: Observed in affected individuals from a Pakistani neurodevelopmental-disorder research cohort of 263 individuals. Classification assigned using the ACMG/AMP framework. Population-frequency evidence: gnomAD AF 5.585e-05.

Eurofins Ntd Llc (ga)
Classification: Uncertain significance. Last evaluated: 2017-05-11. Review status: flagged submission. Criteria: EGL Classification Definitions 2015. Collection method: clinical testing. Allele origin: germline. Observed: 4 variant alleles, 4 heterozygotes. Not counted in ClinVar's aggregate classification.
ClinVar note: Reason: Older claim that does not account for recent evidence

Literature cited by the submitters: PubMed 29419890 (cited by Labcorp Genetics (formerly Invitae), Labcorp); PubMed 19884007 (cited by Labcorp Genetics (formerly Invitae), Labcorp and 3billion); PubMed 31127727 (cited by Labcorp Genetics (formerly Invitae), Labcorp); PubMed 19949035 (cited by 3billion and Eurofins Ntd Llc (ga)).